The following is an entry in ClinVar:

ClinVar aggregate classification (germline): Likely benign. Review status: criteria provided, multiple submitters, no conflicts (2 of 4 stars). 2 submissions from 2 submitters: Likely benign (2). Last evaluated 2025-12-17.

Conditions:
Tuberous sclerosis 2 (TSC2). Identifiers: Orphanet 805, MedGen C1860707, MONDO:0013199, OMIM 613254.

Allele frequency attached by ClinVar (database versions not stated): TOPMed below 0.00001; gnomAD 0.00001; gnomAD exomes 0.00001.
gnomAD v4.1: 10 of 1,612,624 alleles (0.00062%); highest among the groups gnomAD compares: South Asian, 0.0011%; no homozygotes.

Submissions (2):

Labcorp Genetics (formerly Invitae), Labcorp
Classification: Likely benign for Tuberous sclerosis 2. Last evaluated: 2025-12-17. Review status: criteria provided, single submitter. Criteria: Invitae Variant Classification Sherloc (09022015). Collection method: clinical testing. Allele origin: germline.

Myriad Genetics, Inc.
Classification: Likely benign for Tuberous sclerosis 2. Last evaluated: 2025-06-06. Review status: criteria provided, single submitter. Criteria: Myriad Autosomal Dominant, Autosomal Recessive and X-Linked Classification Criteria (2023). Collection method: clinical testing. Allele origin: unknown.
Comment: This variant is considered likely benign. This variant is intronic and is not expected to impact mRNA splicing.

NM_000548.5(TSC2):c.5260-20C>T

Gene: TSC2 (TSC complex subunit 2; plus strand). Cytogenetic location: 16p13.3.
Variant type: single nucleotide variant.
Coding change: c.5260-20C>T on transcript NM_000548.5 (MANE Select); 20 bases into the intron before coding-DNA position 5260, C replaced by T.
Molecular consequence: intron variant.
Genome position (GRCh38, 1-based): chr16:2,088,426, C>T. VCF-style: chr16-2088426-C-T. GRCh37 (hg19) VCF-style: chr16-2138427-C-T.
Other names: c.5191-20C>T (NM_001114382.3); c.5131-20C>T (NM_021055.3); c.5119-20C>T (NM_001370405.1); c.5062-20C>T (NM_001363528.2); c.5128-20C>T (NM_001370404.1); c.5059-20C>T (NM_001077183.3); c.4951-20C>T (NM_001318827.2); c.4528-20C>T (NM_001318831.2); and 2 more.
Identifiers: ClinVar variation 1607589 (VCV001607589.9), dbSNP rs2091180250, ClinGen allele CA973770799.